The following is an entry in ClinVar:

NM_025265.4(TSEN2):c.789G>A (p.Ala263=)

Gene: TSEN2 (tRNA splicing endonuclease subunit 2; plus strand). Cytogenetic location: 3p25.2.
Variant type: single nucleotide variant.
Coding change: c.789G>A on transcript NM_025265.4 (MANE Select); coding-DNA position 789, G replaced by A.
Protein change: p.Ala263=; no amino-acid change (alanine 263 retained).
Molecular consequence: synonymous variant. On other transcripts: non-coding transcript variant (1).
Genome position (GRCh38, 1-based): chr3:12,503,742, G>A. VCF-style: chr3-12503742-G-A. GRCh37 (hg19) VCF-style: chr3-12545241-G-A.
Other names: c.789G>A, p.Ala263= (NM_001145392.2, NM_001145393.3, NM_001321277.2 and 2 more transcripts); c.612G>A, p.Ala204= (NM_001145394.2).
Identifiers: ClinVar variation 3357667 (VCV003357667.2).

ClinVar aggregate classification (germline): Likely benign. Review status: criteria provided, single submitter (1 of 4 stars). 2 submissions from 2 submitters: Likely benign (1). 1 of the submissions does not count toward it. Last evaluated 2026-01-28.

Conditions:
TSEN2-related disorder. Also called: TSEN2-related condition.

gnomAD v4.1: 32 of 1,614,030 alleles (0.002%); highest among the groups gnomAD compares: African/African-American, 0.0053%; no homozygotes.

Submissions (2):

Labcorp Genetics (formerly Invitae), Labcorp
Classification: Likely benign. Last evaluated: 2026-01-28. Review status: criteria provided, single submitter. Criteria: Invitae Variant Classification Sherloc (09022015). Collection method: clinical testing. Allele origin: germline.

PreventionGenetics, part of Exact Sciences
Classification: Likely benign for TSEN2-related condition. Last evaluated: 2024-08-12. Review status: no assertion criteria provided. Collection method: clinical testing. Allele origin: germline. Not counted in ClinVar's aggregate classification.
Comment: This variant is classified as likely benign based on ACMG/AMP sequence variant interpretation guidelines (Richards et al. 2015 PMID: 25741868, with internal and published modifications).